The following is an entry in ClinVar:

NM_000685.5(AGTR1):c.573C>T (p.Leu191=)

Gene: AGTR1 (angiotensin II receptor type 1; plus strand). Cytogenetic location: 3q24.
Variant type: single nucleotide variant.
Coding change: c.573C>T on transcript NM_000685.5 (MANE Select); coding-DNA position 573, C replaced by T.
Protein change: p.Leu191=; no amino-acid change (leucine 191 retained).
Molecular consequence: synonymous variant.
Genome position (GRCh38, 1-based): chr3:148,741,608, C>T. VCF-style: chr3-148741608-C-T. GRCh37 (hg19) VCF-style: chr3-148459395-C-T.
Other names: p.Leu226=; c.573C>T, p.Leu191= (NM_001382736.1, NM_001382737.1, NM_004835.5 and 3 more transcripts).
Identifiers: ClinVar variation 256759 (VCV000256759.22), dbSNP rs5182, ClinGen allele CA2657351.

ClinVar aggregate classification (germline): Benign. Review status: criteria provided, multiple submitters, no conflicts (2 of 4 stars). 8 submissions from 8 submitters: Benign (8). Last evaluated 2026-02-04.

Conditions:
Renal tubular dysgenesis. Also called: Renotubular dysgenesis. Identifiers: Orphanet 3033, MedGen C0266313, MONDO:0017609, HP:0008660.

Allele frequency attached by ClinVar (database versions not stated): ESP Exome Variant Server 0.38152; TOPMed 0.39774; gnomAD 0.40342 and 0.41355; 1000 Genomes Project 30x 0.44909; 1000 Genomes Project 0.45807; gnomAD exomes 0.47324 and 0.49032; ExAC 0.48371.
gnomAD v4.1: 753,526 of 1,613,482 alleles (47%); highest among the groups gnomAD compares: East Asian, 68%; 180,926 homozygotes.

Submissions (8):

Labcorp Genetics (formerly Invitae), Labcorp
Classification: Benign. Last evaluated: 2026-02-04. Review status: criteria provided, single submitter. Criteria: Invitae Variant Classification Sherloc (09022015). Collection method: clinical testing. Allele origin: germline.

Blueprint Genetics
Classification: Benign. Last evaluated: 2024-11-26. Review status: criteria provided, single submitter. Criteria: ACMG Guidelines, 2015. Collection method: clinical testing. Allele origin: germline.

Mayo Clinic Laboratories, Mayo Clinic
Classification: Benign. Last evaluated: 2022-03-09. Review status: criteria provided, single submitter. Criteria: ACMG Guidelines, 2015. Collection method: clinical testing. Allele origin: germline. Observed: 49 variant alleles.

Genome-Nilou Lab
Classification: Benign for Renal tubular dysgenesis of genetic origin. Last evaluated: 2021-07-14. Review status: criteria provided, single submitter. Criteria: ACMG Guidelines, 2015. Collection method: clinical testing. Allele origin: germline. Affected: no.

GeneDx
Classification: Benign. Last evaluated: 2018-11-10. Review status: criteria provided, single submitter. Criteria: GeneDx Variant Classification Process June 2021. Collection method: clinical testing. Allele origin: germline. Affected: yes.

Illumina Laboratory Services, Illumina
Classification: Benign for Renal tubular dysgenesis of genetic origin. Last evaluated: 2018-01-13. Review status: criteria provided, single submitter. Criteria: ICSL Variant Classification Criteria 13 December 2019. Collection method: clinical testing. Allele origin: germline.
Comment: This variant was observed in the ICSL laboratory as part of a predisposition screen in an ostensibly healthy population. It had not been previously curated by ICSL or reported in the Human Gene Mutation Database (HGMD: prior to June 1st, 2018), and was therefore a candidate for classification through an automated scoring system. Utilizing variant allele frequency, disease prevalence and penetrance estimates, and inheritance mode, an automated score was calculated to assess if this variant is too frequent to cause the disease. Based on the score and internal cut-off values, a variant classified as benign is not then subjected to further curation. The score for this variant resulted in a classification of benign for this disease.

Breakthrough Genomics
Classification: Benign. Review status: criteria provided, single submitter. Criteria: ACMG Guidelines, 2015. Collection method: not provided. Allele origin: germline. Inheritance: Autosomal recessive inheritance. Affected: yes.

PreventionGenetics, part of Exact Sciences
Classification: Benign. Review status: criteria provided, single submitter. Criteria: ACMG Guidelines, 2015. Collection method: clinical testing. Allele origin: germline.